The following is an entry in ClinVar:

ClinVar aggregate classification (germline): Uncertain significance (1 of 4 stars; one submission).

Conditions:
Atrial septal defect 5 (ASD5). Identifiers: Orphanet 1478, MedGen C2748552, MONDO:0013011, OMIM 612794.
Dilated cardiomyopathy 1R (CMD1R). Identifiers: Orphanet 154, Orphanet 54260, MedGen C3150681, MONDO:0013261, OMIM 613424.
Hypertrophic cardiomyopathy 11. Also called: ACTC1-Related Familial Hypertrophic Cardiomyopathy. Identifiers: MedGen C2677506, MONDO:0012799, OMIM 612098.

Submission:

Labcorp Genetics (formerly Invitae), Labcorp
Classification: Uncertain significance for Dilated cardiomyopathy 1R; Hypertrophic cardiomyopathy 11; Atrial septal defect 5. Last evaluated: 2022-03-22. Review status: criteria provided, single submitter. Criteria: Invitae Variant Classification Sherloc (09022015). Collection method: clinical testing. Allele origin: germline.
Comment: A gross deletion of the genomic region encompassing the full coding sequence of the ACTC1 gene has been identified. The current clinical and genetic evidence is not sufficient to establish whether loss-of-function variants in ACTC1 cause disease. The boundaries of this event are unknown as they extend beyond the assayed region for this gene and therefore may encompass additional genes. Isolated whole-gene deletions of ACTC1 have not been reported in the literature. However, larger copy number events that include this gene have been reported (PMID: 18458017, 27125413). In summary, the available evidence is currently insufficient to determine the role of this variant in disease. Therefore, it has been classified as a Variant of Uncertain Significance.

Literature cited by the submitters: PubMed 18458017; PubMed 27125413.

NC_000015.9:g.(?_34526082)_(35087009_?)del

Genes: GJD2 (gap junction protein delta 2; minus strand), SLC12A6 (solute carrier family 12 member 6; minus strand), GOLGA8B (golgin A8 family member B; minus strand), NUTM1 (NUT midline carcinoma family member 1; plus strand), ACTC1 (actin alpha cardiac muscle 1; minus strand) and 3 more. Cytogenetic location: 15q14.
Variant type: Deletion.
Identifiers: ClinVar variation 2425304 (VCV002425304.3).